The following is an entry in ClinVar:

NM_001386140.1(MTTP):c.1769+2T>C

Gene: MTTP (microsomal triglyceride transfer protein; plus strand). Cytogenetic location: 4q23.
Variant type: single nucleotide variant.
Coding change: c.1769+2T>C on transcript NM_001386140.1 (MANE Select); the canonical splice donor site of the intron after coding-DNA position 1769, T replaced by C.
Molecular consequence: splice donor variant.
Genome position (GRCh38, 1-based): chr4:99,608,979, T>C. VCF-style: chr4-99608979-T-C. GRCh37 (hg19) VCF-style: chr4-100530136-T-C.
Other names: c.1769+2T>C (NM_000253.3, NM_000253.4); c.1520+2T>C (NM_001300785.2).
Identifiers: ClinVar variation 4081742 (VCV004081742.3).
Genomic context (GRCh38, chr4:99,608,979, plus strand): 5'-ATGAATAAATACATGCTCGCCATTGTTCAAGACATCCTACGTTTTGAAATGCCTGCAAGG[T>C]ATAATACATTGCACATGTCTCTCTGTGTATTCAAGCTTATTTGTGTGTTCATGGGGTACC-3'

ClinVar aggregate classification (germline): Pathogenic/Likely pathogenic. Review status: criteria provided, multiple submitters, no conflicts (2 of 4 stars). 3 submissions from 3 submitters: Pathogenic (2); Likely pathogenic (1). Last evaluated 2025-08-20.

Conditions:
Abetalipoproteinaemia (ABL). Also called: Congenital betalipoprotein deficiency syndrome; MTP DEFICIENCY; Abetalipoproteinemia; Abetalipoproteinemia neuropathy; Apolipoprotein B deficiency. Identifiers: Orphanet 14, MedGen C0000744, MONDO:0008692, OMIM 200100, HP:0008181.

gnomAD v4.1: 1 of 1,611,474 alleles (0.000062%); highest among the groups gnomAD compares: African/African-American, 0.0013%; no homozygotes.

Submissions (3):

GeneDx
Classification: Pathogenic. Last evaluated: 2025-08-20. Review status: criteria provided, single submitter. Criteria: GeneDx Variant Classification Process June 2021. Collection method: clinical testing. Allele origin: germline. Affected: yes.
Comment: Reported previously in an unaffected carrier; however, no further information was provided (PMID: 31964843); Canonical splice site variant predicted to result in a null allele in a gene for which loss of function is a known mechanism of disease; Not observed at significant frequency in large population cohorts (gnomAD); This variant is associated with the following publications: (PMID: 31964843)

Myriad Genetics, Inc.
Classification: Likely pathogenic for Abetalipoproteinaemia. Last evaluated: 2025-05-20. Review status: criteria provided, single submitter. Criteria: Myriad Autosomal Dominant, Autosomal Recessive and X-Linked Classification Criteria (2023). Collection method: clinical testing. Allele origin: unknown.
Comment: NM_000253.2(MTTP):c.1769+2T>C is a variant in a canonical splice site classified as likely pathogenic in the context of abetalipoproteinemia. c.1769+2T>C has not been observed in cases with relevant disease. Relevant functional assessments of this variant are not available in the literature. c.1769+2T>C has been observed in referenced population frequency databases. In summary, NM_000253.2(MTTP):c.1769+2T>C is a variant in a canonical splice site in a gene where loss of function is a known mechanism of disease, is predicted to disrupt protein function, and has been observed more frequently in cases with the relevant disease than in healthy populations. Please note: this variant was assessed in the context of healthy population screening.

Natera, Inc.
Classification: Pathogenic for Abetalipoproteinemia. Last evaluated: 2025-05-05. Review status: criteria provided, single submitter. Criteria: Natera Variant Classification Schema (03/2026). Collection method: clinical testing. Allele origin: germline.
Comment: The c.1769+2T>C variant in MTTP is a canonical splice donor site variant predicted to affect pre-mRNA splicing, which may result in an abnormal transcript and altered protein product. This variant is expected to result in nonsense mediated decay, truncation, or a dysfunctional protein product. This variant is rare in the general population with a frequency below the threshold expected for the associated phenotype(s). Another variant at this same site results in an alteration predicted to cause a similar molecular effect has been observed in individual(s) with the associated phenotype. Given the available evidence, this variant is classified as Pathogenic.